The following is an entry in ClinVar:

NM_001127644.2(GABRA1):c.188-42C>T

Gene: GABRA1 (gamma-aminobutyric acid type A receptor subunit alpha1; plus strand). Cytogenetic location: 5q34.
Variant type: single nucleotide variant.
Coding change: c.188-42C>T on transcript NM_001127644.2 (MANE Select); 42 bases into the intron before coding-DNA position 188, C replaced by T.
Molecular consequence: intron variant.
Genome position (GRCh38, 1-based): chr5:161,865,679, C>T. VCF-style: chr5-161865679-C-T. GRCh37 (hg19) VCF-style: chr5-161292685-C-T.
Other names: c.188-42C>T (NM_000806.5, NM_001127643.2, NM_001127645.2 and 1 more transcripts).
Identifiers: ClinVar variation 670652 (VCV000670652.3), dbSNP rs41304896, ClinGen allele CA3544356.
Genomic context (GRCh38, chr5:161,865,679, plus strand): 5'-ATCAAAGACAATCAATTTCCCATTTGGGTGTCAGTATGTGGTGGTGAGATCTAATAAGGA[C>T]GGTTGACAGACACTCACTCGCCCAATTTCCTGCTTCAACAGAGCGTGTAACCGAAGTGAA-3'

ClinVar aggregate classification (germline): Benign. Review status: criteria provided, multiple submitters, no conflicts (2 of 4 stars). 2 submissions from 2 submitters: Benign (2). Last evaluated 2024-07-15.

Allele frequency attached by ClinVar (database versions not stated): 1000 Genomes Project 30x 0.17021; ESP Exome Variant Server 0.17307; 1000 Genomes Project 0.17372; TOPMed 0.17624; gnomAD 0.18716 and 0.18929; ExAC 0.22115.
gnomAD v4.1: 329,821 of 1,491,054 alleles (22%); highest among the groups gnomAD compares: East Asian, 25%; 38,705 homozygotes.

Submissions (2):

Unidad de Genómica Garrahan, Hospital de Pediatría Garrahan
Classification: Benign. Last evaluated: 2024-07-15. Review status: criteria provided, single submitter. Criteria: ACMG Guidelines, 2015. Collection method: clinical testing. Allele origin: germline. Affected: no. Observed: 38 variant alleles.
Comment: This variant is classified as Benign based on local population frequency. This variant was detected in 41% of patients studied in a panel designed for Epileptic and Developmental Encephalopathy and Progressive Myoclonus Epilepsy. Number of patients: 38. Only high quality variants are reported.

GeneDx
Classification: Benign. Last evaluated: 2018-06-19. Review status: criteria provided, single submitter. Criteria: GeneDx Variant Classification (06012015). Collection method: clinical testing. Allele origin: germline. Affected: yes.
Comment: This variant is considered likely benign or benign based on one or more of the following criteria: it is a conservative change, it occurs at a poorly conserved position in the protein, it is predicted to be benign by multiple in silico algorithms, and/or has population frequency not consistent with disease.